The following is an entry in ClinVar:

NM_001005242.3(PKP2):c.359A>C (p.Glu120Ala)

Gene: PKP2 (plakophilin 2; minus strand). Cytogenetic location: 12p11.21.
Variant type: single nucleotide variant.
Coding change: c.359A>C on transcript NM_001005242.3 (MANE Select); coding-DNA position 359, A replaced by C.
Protein change: p.Glu120Ala; replaces glutamic acid 120 with alanine.
Molecular consequence: missense variant.
Genome position (GRCh38, 1-based): chr12:32,878,521, T>G on the plus strand (A>C on the coding strand, the complement: PKP2 is on the minus strand). VCF-style: chr12-32878521-T-G. GRCh37 (hg19) VCF-style: chr12-33031455-T-G.
Other names: c.359A>C, p.Glu120Ala (NM_001407155.1, NM_001407156.1, NM_001407157.1 and 2 more transcripts); c.32A>C, p.Glu11Ala (NM_001407158.1, NM_001407159.1, NM_001407160.1 and 1 more transcripts); short protein forms E11A, E120A.
Identifiers: ClinVar variation 2733388 (VCV002733388.4), dbSNP rs752173491, ClinGen allele CA037021.
Genomic context (GRCh38, chr12:32,878,521, plus strand): 5'-GACCTTTCTTCCACGGACTTCTGGGAGCTGTACTGTGCTGTTCCTCTTCCCCAGCGACCT[T>G]CATAAGTGGCAGTTGTGCCAGCCTGCACATGAGAGAAATAAAGTTTAAAGGGGGCATAAA-3'
Protein context (NP_001005242.2, residues 110-130): MLKAGTTATY[Glu120Ala]GRWGRGTAQY

ClinVar aggregate classification (germline): Conflicting classifications of pathogenicity. Review status: criteria provided, conflicting classifications (1 of 4 stars). 2 submissions from 2 submitters: Uncertain significance (1); Likely benign (1). Last evaluated 2025-11-10.

Conditions:
Cardiomyopathy (CMYO). Also called: Cardiomyopathies. Identifiers: Orphanet 167848, MedGen C0878544, MONDO:0004994, HP:0001638. Inheritance: Various modes of inheritance.
Arrhythmogenic right ventricular dysplasia 9 (ARVD9). Also called: Arrhythmogenic Right Ventricular Dysplasia/Cardiomyopathy 9; ARRHYTHMOGENIC RIGHT VENTRICULAR DYSPLASIA, FAMILIAL, 9. Identifiers: MedGen C1836906, MONDO:0012180, OMIM 609040.

Allele frequency attached by ClinVar (database versions not stated): ExAC 0.00001.

Submissions (2):

Color Diagnostics, LLC DBA Color Health
Classification: Likely benign for Cardiomyopathy. Last evaluated: 2025-11-10. Review status: criteria provided, single submitter. Criteria: ACMG Guidelines, 2015. Collection method: clinical testing. Allele origin: germline.

Labcorp Genetics (formerly Invitae), Labcorp
Classification: Uncertain significance for Arrhythmogenic right ventricular dysplasia 9. Last evaluated: 2023-07-25. Review status: criteria provided, single submitter. Criteria: Invitae Variant Classification Sherloc (09022015). Collection method: clinical testing. Allele origin: germline.
Comment: In summary, the available evidence is currently insufficient to determine the role of this variant in disease. Therefore, it has been classified as a Variant of Uncertain Significance. An algorithm developed to predict the effect of missense changes on protein structure and function (PolyPhen-2) suggests that this variant is likely to be tolerated. This variant has not been reported in the literature in individuals affected with PKP2-related conditions. This variant is not present in population databases (gnomAD no frequency). This sequence change replaces glutamic acid, which is acidic and polar, with alanine, which is neutral and non-polar, at codon 120 of the PKP2 protein (p.Glu120Ala).